The following is an entry in ClinVar:

ClinVar aggregate classification (germline): Pathogenic (1 of 4 stars; one submission).

Submission:

Labcorp Genetics (formerly Invitae), Labcorp
Classification: Pathogenic. Last evaluated: 2022-09-23. Review status: criteria provided, single submitter. Criteria: Invitae Variant Classification Sherloc (09022015). Collection method: clinical testing. Allele origin: germline.
Comment: This sequence change creates a premature translational stop signal (p.Gly723*) in the RAB3GAP1 gene. It is expected to result in an absent or disrupted protein product. Loss-of-function variants in RAB3GAP1 are known to be pathogenic (PMID: 23420520). This variant is not present in population databases (gnomAD no frequency). This variant has not been reported in the literature in individuals affected with RAB3GAP1-related conditions. For these reasons, this variant has been classified as Pathogenic.

Literature cited by the submitters: PubMed 23420520.

NM_012233.3(RAB3GAP1):c.2167G>T (p.Gly723Ter)

Gene: RAB3GAP1 (RAB3 GTPase activating protein catalytic subunit 1; plus strand). Cytogenetic location: 2q21.3.
Variant type: single nucleotide variant.
Coding change: c.2167G>T on transcript NM_012233.3 (MANE Select); coding-DNA position 2167, G replaced by T.
Protein change: p.Gly723Ter; replaces glycine 723 with a stop codon.
Molecular consequence: nonsense.
Genome position (GRCh38, 1-based): chr2:135,153,754, G>T. VCF-style: chr2-135153754-G-T. GRCh37 (hg19) VCF-style: chr2-135911324-G-T.
Other names: c.2167G>T, p.Gly723Ter (NM_001172435.2); short protein forms G723*.
Identifiers: ClinVar variation 2028577 (VCV002028577.4), dbSNP rs2468262168, ClinGen allele CA348582712.